The following is an entry in ClinVar:

NM_005422.4(TECTA):c.1522A>C (p.Thr508Pro)

Genes: TBCEL-TECTA (TBCEL-TECTA readthrough; plus strand), TECTA (tectorin alpha; plus strand). Cytogenetic location: 11q23.3.
Variant type: single nucleotide variant.
Coding change: c.1522A>C on transcript NM_005422.4 (MANE Select); coding-DNA position 1522, A replaced by C.
Protein change: p.Thr508Pro; replaces threonine 508 with proline.
Molecular consequence: missense variant.
Genome position (GRCh38, 1-based): chr11:121,125,620, A>C. VCF-style: chr11-121125620-A-C. GRCh37 (hg19) VCF-style: chr11-120996329-A-C.
Other names: c.2479A>C, p.Thr827Pro (NM_001378761.1); short protein forms T508P, T827P.
Identifiers: ClinVar variation 666933 (VCV000666933.11), dbSNP rs772553666, ClinGen allele CA6326771.

ClinVar aggregate classification (germline): Uncertain significance. Review status: criteria provided, multiple submitters, no conflicts (2 of 4 stars). 5 submissions from 5 submitters: Uncertain significance (4). 1 of the submissions does not count toward it. Last evaluated 2024-12-04.

Conditions:
Inborn genetic diseases. Identifiers: MedGen C0950123, MeSH D030342.
TECTA-related disorder. Also called: TECTA-related condition.

Allele frequency attached by ClinVar (database versions not stated): gnomAD exomes 0.00002; ExAC 0.00003; gnomAD 0.00003; TOPMed 0.00003.
gnomAD v4.1: 27 of 1,613,252 alleles (0.0017%); highest among the groups gnomAD compares: Admixed American, 0.012%; no homozygotes.

Submissions (5):

Labcorp Genetics (formerly Invitae), Labcorp
Classification: Uncertain significance. Last evaluated: 2024-12-04. Review status: criteria provided, single submitter. Criteria: Invitae Variant Classification Sherloc (09022015). Collection method: clinical testing. Allele origin: germline.
Comment: This sequence change replaces threonine, which is neutral and polar, with proline, which is neutral and non-polar, at codon 508 of the TECTA protein (p.Thr508Pro). This variant is present in population databases (rs772553666, gnomAD 0.009%). This variant has not been reported in the literature in individuals affected with TECTA-related conditions. ClinVar contains an entry for this variant (Variation ID: 666933). Invitae Evidence Modeling of protein sequence and biophysical properties (such as structural, functional, and spatial information, amino acid conservation, physicochemical variation, residue mobility, and thermodynamic stability) indicates that this missense variant is not expected to disrupt TECTA protein function with a negative predictive value of 95%. In summary, the available evidence is currently insufficient to determine the role of this variant in disease. Therefore, it has been classified as a Variant of Uncertain Significance.

Blueprint Genetics
Classification: Uncertain significance. Last evaluated: 2023-09-19. Review status: criteria provided, single submitter. Criteria: ACMG Guidelines, 2015. Collection method: clinical testing. Allele origin: germline.

Ambry Genetics
Classification: Uncertain significance for Inborn genetic diseases. Last evaluated: 2022-10-04. Review status: criteria provided, single submitter. Criteria: Ambry Variant Classification Scheme 2023. Collection method: clinical testing. Allele origin: germline.

Laboratory for Molecular Medicine, Mass General Brigham Personalized Medicine
Classification: Uncertain significance. Last evaluated: 2018-09-10. Review status: criteria provided, single submitter. Criteria: LMM Criteria. Collection method: clinical testing. Allele origin: germline. Observed: 1 variant allele.
Comment: The p.Thr508Pro variant in TECTA has not been previously reported in individuals with hearing loss but has been identified in 0.009% (3/33540) of Latino chromos omes from various populations by the Genome Aggregation Database (gnomAD). Computational prediction tools and conservation ana lysis do not provide strong support for or against an impact to the protein. In summary, the clinical significance of the p.Thr508Pro variant is uncertain. ACMG /AMP Criteria applied: none

PreventionGenetics, part of Exact Sciences
Classification: Uncertain significance for TECTA-related condition. Last evaluated: 2023-12-12. Review status: no assertion criteria provided. Collection method: clinical testing. Allele origin: germline. Not counted in ClinVar's aggregate classification.
Comment: The TECTA c.1522A>C variant is predicted to result in the amino acid substitution p.Thr508Pro. To our knowledge, this variant has not been reported in the literature. This variant is reported in 0.0057% of alleles in individuals of Latino descent in gnomAD. At this time, the clinical significance of this variant is uncertain due to the absence of conclusive functional and genetic evidence.